The following is an entry in ClinVar:

NM_015512.5(DNAH1):c.11428A>G (p.Lys3810Glu)

Gene: DNAH1 (dynein axonemal heavy chain 1; plus strand). Cytogenetic location: 3p21.1.
Variant type: single nucleotide variant.
Coding change: c.11428A>G on transcript NM_015512.5 (MANE Select); coding-DNA position 11428, A replaced by G.
Protein change: p.Lys3810Glu; replaces lysine 3810 with glutamic acid.
Molecular consequence: missense variant.
Genome position (GRCh38, 1-based): chr3:52,396,536, A>G. VCF-style: chr3-52396536-A-G. GRCh37 (hg19) VCF-style: chr3-52430552-A-G.
Other names: short protein forms K3810E.
Identifiers: ClinVar variation 2002813 (VCV002002813.4), dbSNP rs1165488553, ClinGen allele CA353078548.
Genomic context (GRCh38, chr3:52,396,536, plus strand): 5'-AGGGCCAACCTGCTGAAGTCCTATAGTAGCCTTGGTGAAGACTTCCTCAACTCCTGCCAC[A>G]AGGTGAGGCACACTTGGTGCAGGCCTACCCTACCTGCCCCCGTCCCCGCTCCTCACCTCC-3'
Protein context (NP_056327.4, residues 3800-3820): LGEDFLNSCH[Lys3810Glu]VMEFKSLLLS

ClinVar aggregate classification (germline): Uncertain significance (1 of 4 stars; one submission).

Conditions:
Spermatogenic failure 18. Identifiers: MedGen C4539783, MONDO:0054615, OMIM 617576.
Ciliary dyskinesia, primary, 37 (CILD37). Also called: CILIARY DYSKINESIA, PRIMARY, 37, WITH OR WITHOUT SITUS INVERSUS. Identifiers: MedGen C4539798, MONDO:0033204, OMIM 617577.

Allele frequency attached by ClinVar (database versions not stated): TOPMed below 0.00001; gnomAD 0.00001.
gnomAD v4.1: 1 of 1,612,566 alleles (0.000062%); highest among the groups gnomAD compares: Non-Finnish European, 0.000085%; no homozygotes.

Submission:

Labcorp Genetics (formerly Invitae), Labcorp
Classification: Uncertain significance for Ciliary dyskinesia, primary, 37; Spermatogenic failure 18. Last evaluated: 2024-10-25. Review status: criteria provided, single submitter. Criteria: Invitae Variant Classification Sherloc (09022015). Collection method: clinical testing. Allele origin: germline.
Comment: This sequence change replaces lysine, which is basic and polar, with glutamic acid, which is acidic and polar, at codon 3810 of the DNAH1 protein (p.Lys3810Glu). This variant is not present in population databases (gnomAD no frequency). This variant has not been reported in the literature in individuals affected with DNAH1-related conditions. ClinVar contains an entry for this variant (Variation ID: 2002813). An algorithm developed to predict the effect of missense changes on protein structure and function (PolyPhen-2) suggests that this variant is likely to be disruptive. In summary, the available evidence is currently insufficient to determine the role of this variant in disease. Therefore, it has been classified as a Variant of Uncertain Significance.